The following is an entry in ClinVar:

NM_004104.5(FASN):c.4906G>C (p.Val1636Leu)

Gene: FASN (fatty acid synthase; minus strand). Cytogenetic location: 17q25.3.
Variant type: single nucleotide variant.
Coding change: c.4906G>C on transcript NM_004104.5 (MANE Select); coding-DNA position 4906, G replaced by C.
Protein change: p.Val1636Leu; replaces valine 1636 with leucine.
Molecular consequence: missense variant.
Genome position (GRCh38, 1-based): chr17:82,084,247, C>G on the plus strand (G>C on the coding strand, the complement: FASN is on the minus strand). VCF-style: chr17-82084247-C-G. GRCh37 (hg19) VCF-style: chr17-80042123-C-G.
Other names: short protein forms V1636L.
Identifiers: ClinVar variation 4254911 (VCV004254911.2).

ClinVar aggregate classification (germline): Uncertain significance. Review status: criteria provided, multiple submitters, no conflicts (2 of 4 stars). 2 submissions from 2 submitters: Uncertain significance (2). Last evaluated 2025-08-10.

Conditions:
Epileptic encephalopathy. Identifiers: MedGen C0543888, HP:0200134.

gnomAD v4.1: 3 of 1,612,030 alleles (0.00019%); highest among the groups gnomAD compares: Non-Finnish European, 0.00025%; no homozygotes.

Submissions (2):

Ambry Genetics
Classification: Uncertain significance. Last evaluated: 2025-08-10. Review status: criteria provided, single submitter. Criteria: Ambry Variant Classification Scheme 2023. Collection method: clinical testing. Allele origin: germline.

Labcorp Genetics (formerly Invitae), Labcorp
Classification: Uncertain significance for Epileptic encephalopathy. Last evaluated: 2025-02-15. Review status: criteria provided, single submitter. Criteria: Invitae Variant Classification Sherloc (09022015). Collection method: clinical testing. Allele origin: germline.
Comment: This sequence change replaces valine, which is neutral and non-polar, with leucine, which is neutral and non-polar, at codon 1636 of the FASN protein (p.Val1636Leu). This variant is not present in population databases (gnomAD no frequency). This variant has not been reported in the literature in individuals affected with FASN-related conditions. An algorithm developed to predict the effect of missense changes on protein structure and function (PolyPhen-2) suggests that this variant is likely to be disruptive. In summary, the available evidence is currently insufficient to determine the role of this variant in disease. Therefore, it has been classified as a Variant of Uncertain Significance.